The following is an entry in ClinVar:

NM_013432.5(TONSL):c.726C>T (p.Ser242=)

Gene: TONSL (tonsoku like, DNA repair protein; minus strand). Cytogenetic location: 8q24.3.
Variant type: single nucleotide variant.
Coding change: c.726C>T on transcript NM_013432.5 (MANE Select); coding-DNA position 726, C replaced by T.
Protein change: p.Ser242=; no amino-acid change (serine 242 retained).
Molecular consequence: synonymous variant.
Genome position (GRCh38, 1-based): chr8:144,442,265, G>A on the plus strand (C>T on the coding strand, the complement: TONSL is on the minus strand). VCF-style: chr8-144442265-G-A. GRCh37 (hg19) VCF-style: chr8-145667648-G-A.
Other names: c.726C>T (NM_013432.4).
Identifiers: ClinVar variation 1170823 (VCV001170823.11), dbSNP rs112264814, ClinGen allele CA4943539.
Genomic context (GRCh38, chr8:144,442,265, plus strand): 5'-CGAGAGCCTGAGCTCGGAGCCACGCACAGCGGGTACCTGTGCAATAACCACGCAGCACTC[G>A]CTCTCCATGAACCGCTTCCTCATGGTGTGCGCACACTCCCGGGCACCCTCCAAGCAGCGC-3'
Protein context (NP_038460.4, residues 232-252): AHTMRKRFME[Ser242=]ECCVVIAQVL

ClinVar aggregate classification (germline): Benign. Review status: criteria provided, multiple submitters, no conflicts (2 of 4 stars). 3 submissions from 3 submitters: Benign (2). 1 of the submissions does not count toward it. Last evaluated 2025-12-15.

Conditions:
TONSL-related disorder. Also called: TONSL-related condition.

Allele frequency attached by ClinVar (database versions not stated): gnomAD exomes 0.00020 and 0.00054; ExAC 0.00059; ESP Exome Variant Server 0.00185; gnomAD 0.00199 and 0.00207; TOPMed 0.00234; 1000 Genomes Project 30x 0.00344; 1000 Genomes Project 0.00359.
gnomAD v4.1: 614 of 1,592,282 alleles (0.039%); highest among the groups gnomAD compares: African/African-American, 0.73%; 1 homozygote.

Submissions (6):

Labcorp Genetics (formerly Invitae), Labcorp
Classification: Benign. Last evaluated: 2025-12-15. Review status: criteria provided, single submitter. Criteria: Invitae Variant Classification Sherloc (09022015). Collection method: clinical testing. Allele origin: germline.

Breakthrough Genomics
Classification: Benign. Review status: criteria provided, single submitter. Criteria: ACMG Guidelines, 2015. Collection method: not provided. Allele origin: germline. Inheritance: Autosomal recessive inheritance. Affected: yes.

PreventionGenetics, part of Exact Sciences
Classification: Benign for TONSL-related condition. Last evaluated: 2020-01-28. Review status: no assertion criteria provided. Collection method: clinical testing. Allele origin: germline. Not counted in ClinVar's aggregate classification.
Comment: This variant is classified as benign based on ACMG/AMP sequence variant interpretation guidelines (Richards et al. 2015 PMID: 25741868, with internal and published modifications).

Dr. Peter K. Rogan Lab, Western University
No classification provided (evidence only). Condition: Colorectal cancer. Review status: no classification provided. Collection method: in vitro. Allele origin: not applicable. Functional consequence: retained intron. Not counted in ClinVar's aggregate classification.

Dr. Peter K. Rogan Lab, Western University
No classification provided (evidence only). Condition: Sarcoma. Review status: no classification provided. Collection method: in vitro. Allele origin: not applicable. Functional consequence: retained intron. Not counted in ClinVar's aggregate classification.

Dr. Peter K. Rogan Lab, Western University
No classification provided (evidence only). Condition: Thymoma. Review status: no classification provided. Collection method: in vitro. Allele origin: not applicable. Functional consequence: skipped exon, retained intron. Not counted in ClinVar's aggregate classification.